The following is an entry in ClinVar:

NM_000530.8(MPZ):c.312C>A (p.Asp104Glu)

Gene: MPZ (myelin protein zero; minus strand). Cytogenetic location: 1q23.3.
Variant type: single nucleotide variant.
Coding change: c.312C>A on transcript NM_000530.8 (MANE Select); coding-DNA position 312, C replaced by A.
Protein change: p.Asp104Glu; replaces aspartic acid 104 with glutamic acid.
Molecular consequence: missense variant.
Genome position (GRCh38, 1-based): chr1:161,306,844, G>T on the plus strand (C>A on the coding strand, the complement: MPZ is on the minus strand). VCF-style: chr1-161306844-G-T. GRCh37 (hg19) VCF-style: chr1-161276634-G-T.
Other names: c.312C>A, p.Asp104Glu (NM_001315491.2); short protein forms D104E.
Identifiers: ClinVar variation 1211734 (VCV001211734.44), dbSNP rs1670265812, ClinGen allele CA343349430.

ClinVar aggregate classification (germline): Uncertain significance. Review status: criteria provided, multiple submitters, no conflicts (2 of 4 stars). 5 submissions from 5 submitters: Uncertain significance (5). Last evaluated 2025-09-19.

Conditions:
Charcot-Marie-Tooth disease type 2I (CMT2I). Also called: CHARCOT-MARIE-TOOTH DISEASE, AXONAL, TYPE 2I. Identifiers: Orphanet 99942, MedGen C3888087, MONDO:0011889, OMIM 607677.
Charcot-Marie-Tooth disease, type I (CMT1). Also called: Charcot-Marie-Tooth, Type 1; Charcot-Marie-Tooth disease type 1. Identifiers: Orphanet 65753, MedGen C0751036, MONDO:0019011.
Inborn genetic diseases. Identifiers: MedGen C0950123, MeSH D030342.

Allele frequency attached by ClinVar (database versions not stated): gnomAD exomes below 0.00001; TOPMed below 0.00001.
gnomAD v4.1: 1 of 1,613,890 alleles (0.000062%); highest among the groups gnomAD compares: Non-Finnish European, 0.000085%; no homozygotes.

Submissions (5):

GeneDx
Classification: Uncertain significance. Last evaluated: 2025-09-19. Review status: criteria provided, single submitter. Criteria: GeneDx Variant Classification Process June 2021. Collection method: clinical testing. Allele origin: germline. Affected: yes.
Comment: Has not been previously published as pathogenic or benign to our knowledge; Not observed at significant frequency in large population cohorts (gnomAD); Missense variants in this gene are a common cause of disease and they are underrepresented in the general population; In silico analysis suggests that this missense variant does not alter protein structure/function; This variant is associated with the following publications: (PMID: 20461396, 26310628)

Ambry Genetics
Classification: Uncertain significance for Inborn genetic diseases. Last evaluated: 2025-07-03. Review status: criteria provided, single submitter. Criteria: Ambry Variant Classification Scheme 2023. Collection method: clinical testing. Allele origin: germline.

Labcorp Genetics (formerly Invitae), Labcorp
Classification: Uncertain significance for Charcot-Marie-Tooth disease, type I. Last evaluated: 2024-05-15. Review status: criteria provided, single submitter. Criteria: Invitae Variant Classification Sherloc (09022015). Collection method: clinical testing. Allele origin: germline.
Comment: This sequence change replaces aspartic acid, which is acidic and polar, with glutamic acid, which is acidic and polar, at codon 104 of the MPZ protein (p.Asp104Glu). This variant is not present in population databases (gnomAD no frequency). This variant has not been reported in the literature in individuals affected with MPZ-related conditions. ClinVar contains an entry for this variant (Variation ID: 1211734). Advanced modeling of protein sequence and biophysical properties (such as structural, functional, and spatial information, amino acid conservation, physicochemical variation, residue mobility, and thermodynamic stability) performed at Invitae indicates that this missense variant is not expected to disrupt MPZ protein function with a negative predictive value of 80%. In summary, the available evidence is currently insufficient to determine the role of this variant in disease. Therefore, it has been classified as a Variant of Uncertain Significance.

MGZ Medical Genetics Center
Classification: Uncertain significance for Charcot-Marie-Tooth disease type 2I. Last evaluated: 2021-08-03. Review status: criteria provided, single submitter. Criteria: ACMG Guidelines, 2015. Collection method: clinical testing. Allele origin: germline. Affected: yes. Observed: 1 variant allele.
Comment: ACMG criteria applied: PM1, PM2_SUP, PP2

CeGaT Center for Human Genetics Tuebingen
Classification: Uncertain significance. Last evaluated: 2021-02-01. Review status: criteria provided, single submitter. Criteria: CeGaT Center For Human Genetics Tuebingen Variant Classification Criteria Version 2. Collection method: clinical testing. Allele origin: germline. Affected: yes. Observed: 1 variant allele.